The following is an entry in ClinVar:

NC_000007.13:g.(?_91621452)_(91646436_?)dup

Gene: AKAP9 (A-kinase anchoring protein 9; plus strand). Cytogenetic location: 7q21.2.
Variant type: Duplication.
Identifiers: ClinVar variation 2425416 (VCV002425416.4).

ClinVar aggregate classification (germline): Uncertain significance (1 of 4 stars; one submission).

Conditions:
Long QT syndrome (LQTS). Identifiers: MedGen C0023976, MeSH D008133, MONDO:0002442. Disease mechanism: loss of function. Inheritance: Various modes of inheritance.

Submission:

Labcorp Genetics (formerly Invitae), Labcorp
Classification: Uncertain significance for Long QT syndrome. Last evaluated: 2022-06-08. Review status: criteria provided, single submitter. Criteria: Invitae Variant Classification Sherloc (09022015). Collection method: clinical testing. Allele origin: germline.
Comment: In summary, the available evidence is currently insufficient to determine the role of this variant in disease. Therefore, it has been classified as a Variant of Uncertain Significance. Experimental studies and prediction algorithms are not available or were not evaluated, and the functional significance of this variant is currently unknown. This variant has not been reported in the literature in individuals affected with AKAP9-related conditions. This variant is a gross deletion of the genomic region encompassing exon(s) 4-12 of the AKAP9 gene. This variant would be expected to be in-frame, preserving the integrity of the reading frame.